The following is an entry in ClinVar:

NM_172107.4(KCNQ2):c.*5962G>T

Gene: KCNQ2 (potassium voltage-gated channel subfamily Q member 2; minus strand). Cytogenetic location: 20q13.33.
Variant type: single nucleotide variant.
Coding change: c.*5962G>T on transcript NM_172107.4 (MANE Select); 5962 bases downstream of the stop codon, G replaced by T.
Molecular consequence: 3 prime UTR variant.
Genome position (GRCh38, 1-based): chr20:63,400,682, C>A on the plus strand (G>T on the coding strand, the complement: KCNQ2 is on the minus strand). VCF-style: chr20-63400682-C-A. GRCh37 (hg19) VCF-style: chr20-62032035-C-A.
Other names: c.*5962G>T (NM_001382235.1, NM_004518.6, NM_172106.3 and 1 more transcripts).
Identifiers: ClinVar variation 3255266 (VCV003255266.2), dbSNP rs3746372.

ClinVar aggregate classification (germline): Benign (1 of 4 stars; one submission).

Allele frequency attached by ClinVar (database versions not stated): TOPMed 0.18218; gnomAD 0.18875; 1000 Genomes Project 30x 0.22486; 1000 Genomes Project 0.23303; gnomAD exomes 0.24336.
gnomAD v4.1: 88,546 of 398,554 alleles (22%); highest among the groups gnomAD compares: East Asian, 42%; 11,536 homozygotes.

Submission:

Unidad de Genómica Garrahan, Hospital de Pediatría Garrahan
Classification: Benign. Last evaluated: 2024-07-15. Review status: criteria provided, single submitter. Criteria: ACMG Guidelines, 2015. Collection method: clinical testing. Allele origin: germline. Affected: no. Observed: 53 variant alleles.
Comment: This variant is classified as Benign based on local population frequency. This variant was detected in 57% of patients studied in a panel designed for Epileptic and Developmental Encephalopathy and Progressive Myoclonus Epilepsy. Number of patients: 53. Only high quality variants are reported.